The following is an entry in ClinVar:

NM_001372044.2(SHANK3):c.3238C>G (p.Pro1080Ala)

Gene: SHANK3 (SH3 and multiple ankyrin repeat domains 3; plus strand). Cytogenetic location: 22q13.33.
Variant type: single nucleotide variant.
Coding change: c.3238C>G on transcript NM_001372044.2 (MANE Select); coding-DNA position 3238, C replaced by G.
Protein change: p.Pro1080Ala; replaces proline 1080 with alanine.
Molecular consequence: missense variant.
Genome position (GRCh38, 1-based): chr22:50,720,846, C>G. VCF-style: chr22-50720846-C-G. GRCh37 (hg19) VCF-style: chr22-51159274-C-G.
Other names: c.3013C>G, p.Pro1005Ala (NM_033517.1); short protein forms P1005A, P1080A.
Identifiers: ClinVar variation 588541 (VCV000588541.10), dbSNP rs563455211, ClinGen allele CA10325944.

ClinVar aggregate classification (germline): Benign/Likely benign. Review status: criteria provided, multiple submitters, no conflicts (2 of 4 stars). 5 submissions from 5 submitters: Benign (3); Likely benign (1). 1 of the submissions does not count toward it. Last evaluated 2026-09-01.

Conditions:
SHANK3-related disorder. Also called: SHANK3-related condition.
Inborn genetic diseases. Identifiers: MedGen C0950123, MeSH D030342.

Allele frequency attached by ClinVar (database versions not stated): gnomAD exomes 0.00033; gnomAD 0.00184 and 0.00198; TOPMed 0.00209; 1000 Genomes Project 30x 0.00219; ExAC 0.00229; 1000 Genomes Project 0.00260.

Submissions (5):

CeGaT Center for Human Genetics Tuebingen
Classification: Likely benign. Last evaluated: 2026-09-01. Review status: criteria provided, single submitter. Criteria: CeGaT Center For Human Genetics Tuebingen Variant Classification Criteria Version 2. Collection method: clinical testing. Allele origin: germline. Affected: yes. Observed: 1 variant allele.
Comment: SHANK3: BS1

Ambry Genetics
Classification: Benign for Inborn genetic diseases. Last evaluated: 2019-04-22. Review status: criteria provided, single submitter. Criteria: Ambry Variant Classification Scheme 2023. Collection method: clinical testing. Allele origin: germline.

GeneDx
Classification: Benign. Last evaluated: 2019-01-08. Review status: criteria provided, single submitter. Criteria: GeneDx Variant Classification Process June 2021. Collection method: clinical testing. Allele origin: germline. Affected: yes.

Breakthrough Genomics
Classification: Benign. Review status: criteria provided, single submitter. Criteria: ACMG Guidelines, 2015. Collection method: not provided. Allele origin: germline. Inheritance: Autosomal dominant inheritance. Affected: yes.

PreventionGenetics, part of Exact Sciences
Classification: Benign for SHANK3-related condition. Last evaluated: 2021-08-24. Review status: no assertion criteria provided. Collection method: clinical testing. Allele origin: germline. Not counted in ClinVar's aggregate classification.
Comment: This variant is classified as benign based on ACMG/AMP sequence variant interpretation guidelines (Richards et al. 2015 PMID: 25741868, with internal and published modifications).